The following is an entry in ClinVar:

ClinVar aggregate classification (germline): Uncertain significance (1 of 4 stars; one submission).

Allele frequency attached by ClinVar (database versions not stated): gnomAD 0.00001; gnomAD exomes 0.00001 and 0.00006; TOPMed 0.00001.
gnomAD v4.1: 91 of 1,550,340 alleles (0.0059%); highest among the groups gnomAD compares: Non-Finnish European, 0.0078%; no homozygotes.

Submission:

GeneDx
Classification: Uncertain significance. Last evaluated: 2022-03-15. Review status: criteria provided, single submitter. Criteria: GeneDx Variant Classification Process June 2021. Collection method: clinical testing. Allele origin: germline. Affected: yes.
Comment: Located in an alternate transcript of the gene; In silico analysis supports that this variant does not alter protein structure/function; Has not been previously published as pathogenic or benign to our knowledge

NM_001244008.2(KIF1A):c.2603A>G (p.Asn868Ser)

Gene: KIF1A (kinesin family member 1A; minus strand). Cytogenetic location: 2q37.3.
Variant type: single nucleotide variant.
Coding change: c.2603A>G on transcript NM_001244008.2 (MANE Select); coding-DNA position 2603, A replaced by G.
Protein change: p.Asn868Ser; replaces asparagine 868 with serine.
Molecular consequence: missense variant. On other transcripts: intron variant (19).
Genome position (GRCh38, 1-based): chr2:240,757,574, T>C on the plus strand (A>G on the coding strand, the complement: KIF1A is on the minus strand). VCF-style: chr2-240757574-T-C. GRCh37 (hg19) VCF-style: chr2-241696991-T-C.
Other names: c.2678A>G, p.Asn893Ser (NM_001379631.1); c.2576A>G, p.Asn859Ser (NM_001379633.1, NM_001379642.1, NM_001379645.1); c.2555+786A>G (NM_001379653.1, NM_001379650.1, NM_001379640.1 and 6 more transcripts); c.2657+786A>G (NM_001379635.1, NM_001330290.2, NM_001379646.1 and 1 more transcripts); c.2556-4A>G (NM_001379632.1); c.2630+786A>G (NM_001379637.1, NM_001379648.1); c.2582+786A>G (NM_001320705.2, NM_001379638.1, NM_001330289.2); short protein forms N859S, N868S, N893S.
Identifiers: ClinVar variation 1675236 (VCV001675236.2), dbSNP rs1320287865, ClinGen allele CA351322583.